The following is an entry in ClinVar:

NM_005068.3(SIM1):c.1859A>G (p.His620Arg)

Gene: SIM1 (SIM bHLH transcription factor 1; minus strand). Cytogenetic location: 6q16.3.
Variant type: single nucleotide variant.
Coding change: c.1859A>G on transcript NM_005068.3 (MANE Select); coding-DNA position 1859, A replaced by G.
Protein change: p.His620Arg; replaces histidine 620 with arginine.
Molecular consequence: missense variant.
Genome position (GRCh38, 1-based): chr6:100,390,803, T>C on the plus strand (A>G on the coding strand, the complement: SIM1 is on the minus strand). VCF-style: chr6-100390803-T-C. GRCh37 (hg19) VCF-style: chr6-100838679-T-C.
Other names: c.1859A>G, p.His620Arg (NM_001374769.1); short protein forms H620R.
Identifiers: ClinVar variation 4995004 (VCV004995004.1).

ClinVar aggregate classification (germline): Uncertain significance (1 of 4 stars; one submission).

Conditions:
SIM1-related disorder. Also called: SIM1-related condition; SIM1-related disorders.

gnomAD v4.1: 7 of 1,614,186 alleles (0.00043%); highest among the groups gnomAD compares: Admixed American, 0.0033%; no homozygotes.

Submission:

PreventionGenetics, part of Exact Sciences
Classification: Uncertain significance for SIM1-related condition. Last evaluated: 2025-05-22. Review status: criteria provided, single submitter. Criteria: ACMG Guidelines, 2015. Collection method: clinical testing. Allele origin: germline.
Comment: The SIM1 c.1859A>G variant is predicted to result in the amino acid substitution p.His620Arg. To our knowledge, this variant has not been reported in the literature. This variant is reported in 0.0058% of alleles in individuals of Latino descent in gnomAD. At this time, the clinical significance of this variant is uncertain due to the absence of conclusive functional and genetic evidence.